The following is an entry in ClinVar:

NM_001384474.1(LOXHD1):c.5751del (p.Thr1918fs)

Gene: LOXHD1 (lipoxygenase homology PLAT domains 1; minus strand). Cytogenetic location: 18q21.1.
Variant type: Deletion.
Coding change: c.5751del on transcript NM_001384474.1 (MANE Select); coding-DNA position 5751, one base deleted (G; older notation c.5751delG).
Protein change: p.Thr1918fs; shifts the reading frame from threonine 1918.
Molecular consequence: frameshift variant.
Genome position (GRCh38, 1-based): chr18:46,505,965, C deleted on the plus strand (G on the coding strand, the reverse complement: LOXHD1 is on the minus strand); the first of 3 consecutive C bases (chr18:46,505,965-46,505,967); deleting any one gives the same sequence. VCF-style (leftmost placement, unchanged base first): chr18-46505964-TC-T. GRCh37 (hg19) VCF-style: chr18-44085927-TC-T.
Other names: c.2418del, p.Thr807fs (NM_001145472.3); c.468del, p.Thr157fs (NM_001145473.3, NM_001173129.2); c.2130del, p.Thr711fs (NM_001308013.2); c.5565del, p.Thr1856fs (NM_144612.7); short protein forms T807fs, T1856fs, T711fs, T157fs, T1918fs.
Identifiers: ClinVar variation 2758761 (VCV002758761.3), dbSNP rs2511482489, ClinGen allele CA2697555476.

ClinVar aggregate classification (germline): Pathogenic (1 of 4 stars; one submission).

Submission:

Labcorp Genetics (formerly Invitae), Labcorp
Classification: Pathogenic. Last evaluated: 2023-09-08. Review status: criteria provided, single submitter. Criteria: Invitae Variant Classification Sherloc (09022015). Collection method: clinical testing. Allele origin: germline.
Comment: This sequence change creates a premature translational stop signal (p.Thr1856Hisfs*4) in the LOXHD1 gene. It is expected to result in an absent or disrupted protein product. Loss-of-function variants in LOXHD1 are known to be pathogenic (PMID: 19732867, 21465660, 25792669). This variant is not present in population databases (gnomAD no frequency). This variant has not been reported in the literature in individuals affected with LOXHD1-related conditions. For these reasons, this variant has been classified as Pathogenic.

Literature cited by the submitters: PubMed 19732867; PubMed 21465660; PubMed 25792669.